The following is an entry in ClinVar:

NM_000213.5(ITGB4):c.1874_1876delinsC (p.Leu625fs)

Gene: ITGB4 (integrin subunit beta 4; plus strand). Cytogenetic location: 17q25.1.
Variant type: Indel.
Coding change: c.1874_1876delinsC on transcript NM_000213.5 (MANE Select); coding-DNA positions 1874 to 1876, TCT replaced by C.
Protein change: p.Leu625fs; shifts the reading frame from leucine 625.
Molecular consequence: frameshift variant.
Genome position (GRCh38, 1-based): chr17:75,736,578-75,736,580, TCT replaced by C. VCF-style: chr17-75736578-TCT-C. GRCh37 (hg19) VCF-style: chr17-73732659-TCT-C.
Other names: c.1874_1876delTCTinsC, p.Leu625Profs (NM_001005619.2); c.1874_1876delinsC, p.Leu625fs (NM_001005731.3, NM_001321123.2); short protein forms L625fs.
Identifiers: ClinVar variation 2805621 (VCV002805621.3), dbSNP rs2545768865, ClinGen allele CA2695226951.
Genomic context (GRCh38, chr17:75,736,578, plus strand): 5'-AGGCCCACCCAACACAGTGCCTGTCTGCCCCGCCTTTCCCCGCCAAGATCCACCCGGGCC[TCT>C]GCGAGGACCTACGCTCCTGCGTGCAGTGCCAGGCGTGGGGCACCGGCGAGAAGAAGGGGC-3'

ClinVar aggregate classification (germline): Pathogenic (1 of 4 stars; one submission).

Submission:

Labcorp Genetics (formerly Invitae), Labcorp
Classification: Pathogenic. Last evaluated: 2023-12-09. Review status: criteria provided, single submitter. Criteria: Invitae Variant Classification Sherloc (09022015). Collection method: clinical testing. Allele origin: germline.
Comment: This sequence change creates a premature translational stop signal (p.Leu625Profs*24) in the ITGB4 gene. It is expected to result in an absent or disrupted protein product. Loss-of-function variants in ITGB4 are known to be pathogenic (PMID: 11328943, 16473856). This variant is not present in population databases (gnomAD no frequency). This premature translational stop signal has been observed in individual(s) with epidermolysis bullosa and pyloric atresia (PMID: 11328943). For these reasons, this variant has been classified as Pathogenic.

Literature cited by the submitters: PubMed 11328943; PubMed 16473856.